The following is an entry in ClinVar:

NM_001374828.1(ARID1B):c.3678_3679del (p.Tyr1227fs)

Gene: ARID1B (AT-rich interaction domain 1B; plus strand). Cytogenetic location: 6q25.3.
Variant type: Microsatellite.
Coding change: c.3678_3679del on transcript NM_001374828.1 (MANE Select); coding-DNA positions 3678 to 3679, 2 bases deleted (CT; older notation c.3678_3679delCT).
Protein change: p.Tyr1227fs; shifts the reading frame from tyrosine 1227.
Molecular consequence: frameshift variant.
Genome position (GRCh38, 1-based): chr6:157,181,142-157,181,143, CT deleted; deleting any 2 consecutive bases within chr6:157,181,140-157,181,143 gives the same sequence; the c. name uses the placement nearest the transcript's 3' end. VCF-style (leftmost placement, unchanged base first): chr6-157181139-ACT-A. GRCh37 (hg19) VCF-style: chr6-157502273-ACT-A.
Other names: c.3309_3310delCT (NM_020732.3); c.1179_1180del, p.Tyr394fs (NM_001363725.2); c.3558_3559del, p.Tyr1187fs (NM_001371656.1, NM_001374820.1); c.3519_3520del, p.Tyr1174fs (NM_017519.3); short protein forms Y394fs, Y1174fs, Y1187fs, Y1227fs.
Identifiers: ClinVar variation 432252 (VCV000432252.2), dbSNP rs1554231260, ClinGen allele CA645372829.
Genomic context (GRCh38, chr6:157,181,139, plus strand): 5'-GAGAGGCTCTCCTGTCTCAAGTCTGCCTGCCGTGGGCAAGAAGCCCCTGGACCTGTTCCG[ACT>A]CTACGTCTGCGTCAAAGAGATCGGGGGTTTGGCCCAGGTAAGAATGAGTGAGGGAGGGGG-3'

ClinVar aggregate classification (germline): Pathogenic (1 of 4 stars; one submission).

Submission:

GeneDx
Classification: Pathogenic. Last evaluated: 2017-04-19. Review status: criteria provided, single submitter. Criteria: GeneDx Variant Classification (06012015). Collection method: clinical testing. Allele origin: germline. Affected: yes.
Comment: The c.3309_3310delCT pathogenic variant in the ARID1B gene has not been reported previously as a pathogenic variant nor as a benign variant, to our knowledge. It is not observed in large population cohorts (Lek et al., 2016; 1000 Genomes Consortium et al., 2015; Exome Variant Server). The c.3309_3310delCT variant causes a frameshift starting with codon Tyrosine 1104, changes this amino acid to an Arginine residue, and creates a premature Stop codon at position 13 of the new reading frame, denoted p.Tyr1104ArgfsX13. This variant is predicted to cause loss of normal protein function either through protein truncation or nonsense-mediated mRNA decay.